The following is an entry in ClinVar:

ClinVar aggregate classification (germline): Pathogenic (1 of 4 stars; one submission).

Conditions:
Kabuki syndrome 1 (KABUK1). Also called: KMT2D-Related Kabuki Syndrome. Identifiers: Orphanet 2322, MedGen CN030661, MONDO:0007843, OMIM 147920.

Submission:

Victorian Clinical Genetics Services, Murdoch Childrens Research Institute
Classification: Pathogenic for Kabuki syndrome 1. Last evaluated: 2025-07-09. Review status: criteria provided, single submitter. Criteria: ACMG Guidelines, 2015. Collection method: clinical testing. Allele origin: germline. Affected: yes.
Comment: This variant is classified as Pathogenic. Evidence in support of pathogenic classification: Variant is predicted to cause nonsense-mediated decay (NMD) and loss of protein (premature termination codon is located at least 54 nucleotides upstream of the final exon-exon junction); Variant is absent from gnomAD (v2, v3 and v4); Other NMD-predicted variants comparable to the one identified in this case have very strong previous evidence for pathogenicity (DECIPHER); Additional information: This variant is heterozygous; This gene is associated with autosomal dominant disease; This variant has no previous evidence of pathogenicity; No published evidence of segregation with disease has been identified for this variant; No published functional evidence has been identified for this variant; Loss of function is a known mechanism of disease in this gene and is associated with Kabuki syndrome 1 (MIM#147920), and branchial arch abnormalities, choanal atresia, athelia, hearing loss, and hypothyroidism syndrome (MIM#620186); Variants in this gene are known to have variable expressivity (PMIDs: 21882399, 31949313).

Literature cited by the submitters: PubMed 21882399; PubMed 31949313.

NM_003482.4(KMT2D):c.9671del (p.Gly3224fs)

Gene: KMT2D (lysine methyltransferase 2D; minus strand). Cytogenetic location: 12q13.12.
Variant type: Deletion.
Coding change: c.9671del on transcript NM_003482.4 (MANE Select); coding-DNA position 9671, one base deleted (G; older notation c.9671delG).
Protein change: p.Gly3224fs; shifts the reading frame from glycine 3224.
Molecular consequence: frameshift variant.
Genome position (GRCh38, 1-based): chr12:49,037,685, C deleted on the plus strand (G on the coding strand, the reverse complement: KMT2D is on the minus strand); the first of 2 consecutive C bases (chr12:49,037,685-49,037,686); deleting either gives the same sequence. VCF-style (leftmost placement, unchanged base first): chr12-49037684-AC-A. GRCh37 (hg19) VCF-style: chr12-49431467-AC-A.
Other names: short protein forms G3224fs.
Identifiers: ClinVar variation 4531421 (VCV004531421.1).
Genomic context (GRCh38, chr12:49,037,684, plus strand): 5'-CTCGCTGGCTACCAGTGAGCTCTCCATCTTGTCTAGCTCATCCCCAGATGCTGCAGGTCC[AC>A]CAGGCAAGGTCAAAGCCCCACTCTCGAGCTCAAACTTTTCCAGCAGGGAGGATCCTCCTG-3'